The following is an entry in ClinVar:

ClinVar aggregate classification (germline): Uncertain significance. Review status: criteria provided, multiple submitters, no conflicts (2 of 4 stars). 2 submissions from 2 submitters: Uncertain significance (2). Last evaluated 2025-04-28.

Conditions:
Autosomal recessive severe congenital neutropenia due to G6PC3 deficiency. Also called: G6PC3 Deficiency; NEUTROPENIA, SEVERE CONGENITAL, 4, AUTOSOMAL RECESSIVE. Identifiers: Orphanet 331176, MedGen C2751630, MONDO:0012930, OMIM 612541.

Allele frequency attached by ClinVar (database versions not stated): ExAC 0.00009; 1000 Genomes Project 0.00020; 1000 Genomes Project 30x 0.00031.
gnomAD v4.1: 72 of 1,614,134 alleles (0.0045%); highest among the groups gnomAD compares: South Asian, 0.078%; no homozygotes.

Submissions (2):

Labcorp Genetics (formerly Invitae), Labcorp
Classification: Uncertain significance for Autosomal recessive severe congenital neutropenia due to G6PC3 deficiency. Last evaluated: 2025-04-28. Review status: criteria provided, single submitter. Criteria: Invitae Variant Classification Sherloc (09022015). Collection method: clinical testing. Allele origin: germline.
Comment: This sequence change falls in intron 5 of the G6PC3 gene. It does not directly change the encoded amino acid sequence of the G6PC3 protein. It affects a nucleotide within the consensus splice site. This variant is present in population databases (rs560767207, gnomAD 0.08%). This variant has not been reported in the literature in individuals affected with G6PC3-related conditions. ClinVar contains an entry for this variant (Variation ID: 1401031). Variants that disrupt the consensus splice site are a relatively common cause of aberrant splicing (PMID: 17576681, 9536098). Algorithms developed to predict the effect of sequence changes on RNA splicing suggest that this variant may disrupt the consensus splice site. In summary, the available evidence is currently insufficient to determine the role of this variant in disease. Therefore, it has been classified as a Variant of Uncertain Significance.

Blueprint Genetics
Classification: Uncertain significance. Last evaluated: 2022-03-09. Review status: criteria provided, single submitter. Criteria: ACMG Guidelines, 2015. Collection method: clinical testing. Allele origin: germline.

Literature cited by the submitters: PubMed 17576681 (cited by Labcorp Genetics (formerly Invitae), Labcorp); PubMed 9536098 (cited by Labcorp Genetics (formerly Invitae), Labcorp).

NM_138387.4(G6PC3):c.677+5G>A

Gene: G6PC3 (glucose-6-phosphatase catalytic subunit 3; plus strand). Cytogenetic location: 17q21.31.
Variant type: single nucleotide variant.
Coding change: c.677+5G>A on transcript NM_138387.4 (MANE Select); 5 bases into the intron after coding-DNA position 677, G replaced by A.
Molecular consequence: intron variant.
Genome position (GRCh38, 1-based): chr17:44,075,456, G>A. VCF-style: chr17-44075456-G-A. GRCh37 (hg19) VCF-style: chr17-42152824-G-A.
Other names: c.332+5G>A (NM_001384168.1, NM_001384165.1, NM_001384166.1 and 1 more transcripts); c.558+5G>A (NM_001319945.2).
Identifiers: ClinVar variation 1401031 (VCV001401031.6), dbSNP rs560767207, ClinGen allele CA8596111.